The following is an entry in ClinVar:

ClinVar aggregate classification (germline): Uncertain significance (1 of 4 stars; one submission).

Conditions:
Nephronophthisis 14 (NPHP14). Identifiers: Orphanet 2318, MedGen C3539071, MONDO:0013916, OMIM 614844.

Allele frequency attached by ClinVar (database versions not stated): gnomAD exomes 0.00001; TOPMed 0.00001.
gnomAD v4.1: 11 of 1,614,140 alleles (0.00068%); highest among the groups gnomAD compares: South Asian, 0.0011%; no homozygotes.

Submission:

Labcorp Genetics (formerly Invitae), Labcorp
Classification: Uncertain significance for Nephronophthisis 14. Last evaluated: 2021-03-20. Review status: criteria provided, single submitter. Criteria: Invitae Variant Classification Sherloc (09022015). Collection method: clinical testing. Allele origin: germline.
Comment: Algorithms developed to predict the effect of missense changes on protein structure and function are either unavailable or do not agree on the potential impact of this missense change (SIFT: "Tolerated"; PolyPhen-2: "Probably Damaging"; Align-GVGD: "Class C0"). This variant has not been reported in the literature in individuals with ZNF423-related conditions. This variant is not present in population databases (ExAC no frequency). This sequence change replaces asparagine with serine at codon 493 of the ZNF423 protein (p.Asn493Ser). The asparagine residue is highly conserved and there is a small physicochemical difference between asparagine and serine. In summary, the available evidence is currently insufficient to determine the role of this variant in disease. Therefore, it has been classified as a Variant of Uncertain Significance.

NM_001379286.1(ZNF423):c.1502A>G (p.Asn501Ser)

Gene: ZNF423 (zinc finger protein 423; minus strand). Cytogenetic location: 16q12.1.
Variant type: single nucleotide variant.
Coding change: c.1502A>G on transcript NM_001379286.1 (MANE Select); coding-DNA position 1502, A replaced by G.
Protein change: p.Asn501Ser; replaces asparagine 501 with serine.
Molecular consequence: missense variant.
Genome position (GRCh38, 1-based): chr16:49,637,674, T>C on the plus strand (A>G on the coding strand, the complement: ZNF423 is on the minus strand). VCF-style: chr16-49637674-T-C. GRCh37 (hg19) VCF-style: chr16-49671585-T-C.
Other names: c.1298A>G, p.Asn433Ser (NM_001271620.2); c.1127A>G, p.Asn376Ser (NM_001330533.2); c.1478A>G, p.Asn493Ser (NM_015069.5); short protein forms N376S, N433S, N493S, N501S.
Identifiers: ClinVar variation 950656 (VCV000950656.7), dbSNP rs1364183755, ClinGen allele CA395848869.